The following is an entry in ClinVar:

NM_018136.5(ASPM):c.8988-15A>G

Gene: ASPM (assembly factor for spindle microtubules; minus strand). Cytogenetic location: 1q31.3.
Variant type: single nucleotide variant.
Coding change: c.8988-15A>G on transcript NM_018136.5 (MANE Select); 15 bases into the intron before coding-DNA position 8988, A replaced by G.
Molecular consequence: intron variant.
Genome position (GRCh38, 1-based): chr1:197,094,195, T>C on the plus strand (A>G on the coding strand, the complement: ASPM is on the minus strand). VCF-style: chr1-197094195-T-C. GRCh37 (hg19) VCF-style: chr1-197063325-T-C.
Other names: c.4233-15A>G (NM_001206846.2).
Identifiers: ClinVar variation 2995490 (VCV002995490.3), dbSNP rs1656888356, ClinGen allele CA1217927121.

ClinVar aggregate classification (germline): Uncertain significance (1 of 4 stars; one submission).

Allele frequency attached by ClinVar (database versions not stated): gnomAD exomes below 0.00001.

Submission:

Labcorp Genetics (formerly Invitae), Labcorp
Classification: Uncertain significance. Last evaluated: 2024-04-05. Review status: criteria provided, single submitter. Criteria: Invitae Variant Classification Sherloc (09022015). Collection method: clinical testing. Allele origin: germline.
Comment: This sequence change falls in intron 19 of the ASPM gene. It does not directly change the encoded amino acid sequence of the ASPM protein. This variant is not present in population databases (gnomAD no frequency). This variant has not been reported in the literature in individuals affected with ASPM-related conditions. Algorithms developed to predict the effect of sequence changes on RNA splicing suggest that this variant may disrupt the consensus splice site. In summary, the available evidence is currently insufficient to determine the role of this variant in disease. Therefore, it has been classified as a Variant of Uncertain Significance.